The following is an entry in ClinVar:

NM_014714.4(IFT140):c.2764A>G (p.Ser922Gly)

Gene: IFT140 (intraflagellar transport 140; minus strand). Cytogenetic location: 16p13.3.
Variant type: single nucleotide variant.
Coding change: c.2764A>G on transcript NM_014714.4 (MANE Select); coding-DNA position 2764, A replaced by G.
Protein change: p.Ser922Gly; replaces serine 922 with glycine.
Molecular consequence: missense variant.
Genome position (GRCh38, 1-based): chr16:1,525,891, T>C on the plus strand (A>G on the coding strand, the complement: IFT140 is on the minus strand). VCF-style: chr16-1525891-T-C. GRCh37 (hg19) VCF-style: chr16-1575892-T-C.
Other names: c.2764A>G (NM_014714.3); short protein forms S922G.
Identifiers: ClinVar variation 1979268 (VCV001979268.5), dbSNP rs1469821458, ClinGen allele CA394227103.

ClinVar aggregate classification (germline): Uncertain significance. Review status: criteria provided, multiple submitters, no conflicts (2 of 4 stars). 2 submissions from 2 submitters: Uncertain significance (2). Last evaluated 2024-06-03.

Conditions:
Inborn genetic diseases. Identifiers: MedGen C0950123, MeSH D030342.
Saldino-Mainzer syndrome (SRTD9). Also called: Renal dysplasia, retinal pigmentary dystrophy, cerebellar ataxia and skeletal dysplasia; CONORENAL SYNDROME; short-rib thoracic dysplasia 9 with or without polydactyly; SHORT-RIB THORACIC DYSPLASIA 9 WITHOUT POLYDACTYLY. Identifiers: Orphanet 140969, MedGen C1849437, MONDO:0009964, OMIM 266920.

Allele frequency attached by ClinVar (database versions not stated): gnomAD exomes below 0.00001; TOPMed below 0.00001; gnomAD 0.00001.
gnomAD v4.1: 3 of 1,542,868 alleles (0.00019%); highest among the groups gnomAD compares: African/African-American, 0.0027%; no homozygotes.

Submissions (2):

Ambry Genetics
Classification: Uncertain significance for Inborn genetic diseases. Last evaluated: 2024-06-03. Review status: criteria provided, single submitter. Criteria: Ambry Variant Classification Scheme 2023. Collection method: clinical testing. Allele origin: germline.

Labcorp Genetics (formerly Invitae), Labcorp
Classification: Uncertain significance for Saldino-Mainzer syndrome. Last evaluated: 2022-04-28. Review status: criteria provided, single submitter. Criteria: Invitae Variant Classification Sherloc (09022015). Collection method: clinical testing. Allele origin: germline.
Comment: In summary, the available evidence is currently insufficient to determine the role of this variant in disease. Therefore, it has been classified as a Variant of Uncertain Significance. Algorithms developed to predict the effect of sequence changes on RNA splicing suggest that this variant may disrupt the consensus splice site. Algorithms developed to predict the effect of missense changes on protein structure and function (SIFT, PolyPhen-2, Align-GVGD) all suggest that this variant is likely to be tolerated. This variant has not been reported in the literature in individuals affected with IFT140-related conditions. The frequency data for this variant in the population databases is considered unreliable, as metrics indicate poor data quality at this position in the gnomAD database. This sequence change replaces serine, which is neutral and polar, with glycine, which is neutral and non-polar, at codon 922 of the IFT140 protein (p.Ser922Gly).